The following is an entry in ClinVar:

NM_133497.4(KCNV2):c.1132G>T (p.Val378Phe)

Gene: KCNV2 (potassium voltage-gated channel modifier subfamily V member 2; plus strand). Cytogenetic location: 9p24.2.
Variant type: single nucleotide variant.
Coding change: c.1132G>T on transcript NM_133497.4 (MANE Select); coding-DNA position 1132, G replaced by T.
Protein change: p.Val378Phe; replaces valine 378 with phenylalanine.
Molecular consequence: missense variant.
Genome position (GRCh38, 1-based): chr9:2,718,871, G>T. VCF-style: chr9-2718871-G-T. GRCh37 (hg19) VCF-style: chr9-2718871-G-T.
Other names: short protein forms V378F.
Identifiers: ClinVar variation 2163312 (VCV002163312.1), dbSNP rs752928296, ClinGen allele CA4965778.

ClinVar aggregate classification (germline): Uncertain significance (1 of 4 stars; one submission).

gnomAD v4.1: 12 of 1,608,864 alleles (0.00075%); highest among the groups gnomAD compares: Admixed American, 0.02%; no homozygotes.

Submission:

Labcorp Genetics (formerly Invitae), Labcorp
Classification: Uncertain significance. Last evaluated: 2022-05-27. Review status: criteria provided, single submitter. Criteria: Invitae Variant Classification Sherloc (09022015). Collection method: clinical testing. Allele origin: germline.
Comment: This sequence change replaces valine, which is neutral and non-polar, with phenylalanine, which is neutral and non-polar, at codon 378 of the KCNV2 protein (p.Val378Phe). This variant is present in population databases (no rsID available, gnomAD 0.03%). This variant has not been reported in the literature in individuals affected with KCNV2-related conditions. Advanced modeling of protein sequence and biophysical properties (such as structural, functional, and spatial information, amino acid conservation, physicochemical variation, residue mobility, and thermodynamic stability) performed at Invitae indicates that this missense variant is expected to disrupt KCNV2 protein function. In summary, the available evidence is currently insufficient to determine the role of this variant in disease. Therefore, it has been classified as a Variant of Uncertain Significance.